The following is an entry in ClinVar:

NM_002137.4(HNRNPA2B1):c.906T>A (p.Gly302=)

Gene: HNRNPA2B1 (heterogeneous nuclear ribonucleoprotein A2/B1; minus strand). Cytogenetic location: 7p15.2.
Variant type: single nucleotide variant.
Coding change: c.906T>A on transcript NM_002137.4 (MANE Select); coding-DNA position 906, T replaced by A.
Protein change: p.Gly302=; no amino-acid change (glycine 302 retained).
Molecular consequence: synonymous variant.
Genome position (GRCh38, 1-based): chr7:26,193,309, A>T on the plus strand (T>A on the coding strand, the complement: HNRNPA2B1 is on the minus strand). VCF-style: chr7-26193309-A-T. GRCh37 (hg19) VCF-style: chr7-26232929-A-T.
Other names: c.942T>A, p.Gly314= (NM_031243.4).
Identifiers: ClinVar variation 1599601 (VCV001599601.10), dbSNP rs139270847, ClinGen allele CA4194419.

ClinVar aggregate classification (germline): Benign. Review status: criteria provided, single submitter (1 of 4 stars). 2 submissions from 2 submitters: Benign (1). 1 of the submissions does not count toward it. Last evaluated 2025-12-13.

Conditions:
HNRNPA2B1-related disorder. Also called: HNRNPA2B1-related condition.
Inclusion body myopathy with early-onset Paget disease with or without frontotemporal dementia 2 (IBMPFD2). Also called: MULTISYSTEM PROTEINOPATHY 2. Identifiers: MedGen C3809468, MONDO:0014178, OMIM 615422.

Allele frequency attached by ClinVar (database versions not stated): ExAC 0.00008; 1000 Genomes Project 0.00020; gnomAD 0.00034 and 0.00037; gnomAD exomes 0.00003 and 0.00010; 1000 Genomes Project 30x 0.00016; ESP Exome Variant Server 0.00031; TOPMed 0.00043.

Submissions (2):

Labcorp Genetics (formerly Invitae), Labcorp
Classification: Benign for Inclusion body myopathy with early-onset Paget disease with or without frontotemporal dementia 2. Last evaluated: 2025-12-13. Review status: criteria provided, single submitter. Criteria: Invitae Variant Classification Sherloc (09022015). Collection method: clinical testing. Allele origin: germline.

PreventionGenetics, part of Exact Sciences
Classification: Likely benign for HNRNPA2B1-related condition. Last evaluated: 2021-10-11. Review status: no assertion criteria provided. Collection method: clinical testing. Allele origin: germline. Not counted in ClinVar's aggregate classification.
Comment: This variant is classified as likely benign based on ACMG/AMP sequence variant interpretation guidelines (Richards et al. 2015 PMID: 25741868, with internal and published modifications).